The following is an entry in ClinVar:

ClinVar aggregate classification (germline): Uncertain significance. Review status: criteria provided, multiple submitters, no conflicts (2 of 4 stars). 2 submissions from 2 submitters: Uncertain significance (2). Last evaluated 2023-10-02.

Allele frequency attached by ClinVar (database versions not stated): gnomAD exomes below 0.00001; TOPMed below 0.00001.
gnomAD v4.1: 3 of 1,613,734 alleles (0.00019%); highest among the groups gnomAD compares: South Asian, 0.0011%; no homozygotes.

Submissions (2):

Blueprint Genetics
Classification: Uncertain significance. Last evaluated: 2023-10-02. Review status: criteria provided, single submitter. Criteria: ACMG Guidelines, 2015. Collection method: clinical testing. Allele origin: germline.

GeneDx
Classification: Uncertain significance. Last evaluated: 2022-04-18. Review status: criteria provided, single submitter. Criteria: GeneDx Variant Classification Process June 2021. Collection method: clinical testing. Allele origin: germline. Affected: yes.
Comment: In silico analysis supports that this missense variant has a deleterious effect on protein structure/function; Not observed at significant frequency in large population cohorts (gnomAD); This variant is associated with the following publications: (PMID: 16478727, 31440733)

NM_130811.4(SNAP25):c.526C>T (p.Arg176Cys)

Gene: SNAP25 (synaptosome associated protein 25; plus strand). Cytogenetic location: 20p12.2.
Variant type: single nucleotide variant.
Coding change: c.526C>T on transcript NM_130811.4 (MANE Select); coding-DNA position 526, C replaced by T.
Protein change: p.Arg176Cys; replaces arginine 176 with cysteine.
Molecular consequence: missense variant.
Genome position (GRCh38, 1-based): chr20:10,299,386, C>T. VCF-style: chr20-10299386-C-T. GRCh37 (hg19) VCF-style: chr20-10280034-C-T.
Other names: c.526C>T, p.Arg176Cys (NM_001322902.2, NM_001322903.2, NM_001322904.2 and 7 more transcripts); short protein forms R176C.
Identifiers: ClinVar variation 1683899 (VCV001683899.3), dbSNP rs1481810638, ClinGen allele CA408266719.